The following is an entry in ClinVar:

ClinVar aggregate classification (germline): Likely pathogenic. Review status: criteria provided, multiple submitters, no conflicts (2 of 4 stars). 2 submissions from 2 submitters: Likely pathogenic (2). Last evaluated 2023-05-05.

Conditions:
Leukodystrophy, hypomyelinating, 10. Also called: PYCR2-related microcephaly-progressive leukoencephalopathy. Identifiers: Orphanet 481152, MedGen C4225332, MONDO:0014632, OMIM 616420.

Submissions (2):

GeneDx
Classification: Likely pathogenic. Last evaluated: 2023-05-05. Review status: criteria provided, single submitter. Criteria: GeneDx Variant Classification Process June 2021. Collection method: clinical testing. Allele origin: germline. Affected: yes.
Comment: Not observed at significant frequency in large population cohorts (gnomAD); In silico analysis supports that this missense variant has a deleterious effect on protein structure/function; This variant is associated with the following publications: (PMID: 34055512, 25865492, 30125339)

Fulgent Genetics
Classification: Likely pathogenic for Leukodystrophy, hypomyelinating, 10. Last evaluated: 2018-10-31. Review status: criteria provided, single submitter. Criteria: ACMG Guidelines, 2015. Collection method: clinical testing. Allele origin: unknown.

NM_013328.4(PYCR2):c.356G>A (p.Arg119His)

Gene: PYCR2 (pyrroline-5-carboxylate reductase 2; minus strand). Cytogenetic location: 1q42.12.
Variant type: single nucleotide variant.
Coding change: c.356G>A on transcript NM_013328.4 (MANE Select); coding-DNA position 356, G replaced by A.
Protein change: p.Arg119His; replaces arginine 119 with histidine.
Molecular consequence: missense variant. On other transcripts: intron variant (1).
Genome position (GRCh38, 1-based): chr1:225,922,042, C>T on the plus strand (G>A on the coding strand, the complement: PYCR2 is on the minus strand). VCF-style: chr1-225922042-C-T. GRCh37 (hg19) VCF-style: chr1-226109742-C-T.
Other names: c.318+162G>A (NM_001271681.2); short protein forms R119H.
Identifiers: ClinVar variation 429628 (VCV000429628.5), dbSNP rs149587849, ClinGen allele CA345006437.